The following is an entry in ClinVar:

ClinVar aggregate classification (germline): Likely benign (1 of 4 stars; one submission).

Allele frequency attached by ClinVar (database versions not stated): 1000 Genomes Project 30x 0.00125; 1000 Genomes Project 0.00160; TOPMed 0.00217; ESP Exome Variant Server 0.00254; gnomAD exomes 0.00368; ExAC 0.00498; gnomAD 0.00552.
gnomAD v4.1: 6,167 of 1,613,818 alleles (0.38%); highest among the groups gnomAD compares: Non-Finnish European, 0.32%; 66 homozygotes.

Submission:

CeGaT Center for Human Genetics Tuebingen
Classification: Likely benign. Last evaluated: 2025-04-01. Review status: criteria provided, single submitter. Criteria: CeGaT Center For Human Genetics Tuebingen Variant Classification Criteria Version 2. Collection method: clinical testing. Allele origin: germline. Affected: yes. Observed: 2 variant alleles.
Comment: SMG7: BP4, BP7, BS2

NM_001375584.1(SMG7):c.2076A>G (p.Pro692=)

Gene: SMG7 (SMG7 nonsense mediated mRNA decay factor; plus strand). Cytogenetic location: 1q25.3.
Variant type: single nucleotide variant.
Coding change: c.2076A>G on transcript NM_001375584.1 (MANE Select); coding-DNA position 2076, A replaced by G.
Protein change: p.Pro692=; no amino-acid change (proline 692 retained).
Molecular consequence: synonymous variant.
Genome position (GRCh38, 1-based): chr1:183,545,018, A>G. VCF-style: chr1-183545018-A-G. GRCh37 (hg19) VCF-style: chr1-183514153-A-G.
Other names: c.1950A>G, p.Pro650= (NM_001174061.2, NM_001394137.1, NM_001394142.1 and 1 more transcripts); c.2025A>G, p.Pro675= (NM_001331007.2, NM_001350219.2, NM_001350221.2 and 2 more transcripts); c.2163A>G, p.Pro721= (NM_001350220.2, NM_001394133.1, NM_001394134.1 and 2 more transcripts); c.1938A>G, p.Pro646= (NM_001375585.1, NM_201568.3, NM_201569.3); c.2022A>G, p.Pro674= (NM_001394140.1); c.1812A>G, p.Pro604= (NM_001394141.1, NM_001394147.1); c.1770A>G, p.Pro590= (NM_001394144.1); c.1884A>G, p.Pro628= (NM_001394145.1, NM_001394146.1); and 1 more.
Identifiers: ClinVar variation 2639628 (VCV002639628.24), dbSNP rs148022443, ClinGen allele CA1284189.